The following is an entry in ClinVar:

ClinVar aggregate classification (germline): Likely pathogenic (1 of 4 stars; one submission).

Conditions:
Familial renal glucosuria (GLYS). Also called: RENAL GLUCOSURIA, AUTOSOMAL DOMINANT; Familial renal glycosuria. Identifiers: Orphanet 69076, MedGen C3245525, MONDO:0009297, OMIM 233100.

gnomAD v4.1: 1 of 1,613,936 alleles (0.000062%); highest among the groups gnomAD compares: Non-Finnish European, 0.000085%; no homozygotes.

Submission:

Variantyx, Inc.
Classification: Likely pathogenic for Familial renal glucosuria. Last evaluated: 2025-11-13. Review status: criteria provided, single submitter. Criteria: Variantyx Assertion Criteria 2022. Collection method: clinical testing. Allele origin: germline. Inheritance: Autosomal recessive inheritance. Affected: no.
Comment: This is a nonsense variant in the SLC5A2 gene (OMIM: 182381). Pathogenic variants in this gene have been associated with autosomal semidominant renal glucosuria. This variant introduces a premature termination codon in exon 6 out of 14 and is expected to result in loss of function, which is a known disease mechanism for SLC5A2 in this disorder (PVS1). This variant has a 0.0001% maximum allele frequency in non-founder control populations (PM2). Based on the current evidence, this variant is classified as likely pathogenic for autosomal semidominant renal glucosuria. There are reports that heterozygous individuals may show mild glycosuria (PMID: 21165652, 14174800).

Literature cited by the submitters: PubMed 21165652; PubMed 14174800.

NM_003041.4(SLC5A2):c.610C>T (p.Gln204Ter)

Gene: SLC5A2 (solute carrier family 5 member 2; plus strand). Cytogenetic location: 16p11.2.
Variant type: single nucleotide variant.
Coding change: c.610C>T on transcript NM_003041.4 (MANE Select); coding-DNA position 610, C replaced by T.
Protein change: p.Gln204Ter; replaces glutamine 204 with a stop codon.
Molecular consequence: nonsense. On other transcripts: non-coding transcript variant (1).
Genome position (GRCh38, 1-based): chr16:31,487,355, C>T. VCF-style: chr16-31487355-C-T. GRCh37 (hg19) VCF-style: chr16-31498676-C-T.
Other names: short protein forms Q204*.
Identifiers: ClinVar variation 4850043 (VCV004850043.1).
Genomic context (GRCh38, chr16:31,487,355, plus strand): 5'-GTCCCCTGACCCCGGCCTGTTGCAGGAGGGCTGGCCGCGCTGATGTACACGGACACGGTA[C>T]AGACCTTCGTCATTCTGGGGGGCGCCTGCATCCTCATGGGTTACGGTAGGGGCTCGCCTA-3'